The following is an entry in ClinVar:

NM_031418.4(ANO3):c.1570A>G (p.Met524Val)

Gene: ANO3 (anoctamin 3; plus strand). Cytogenetic location: 11p14.2.
Variant type: single nucleotide variant.
Coding change: c.1570A>G on transcript NM_031418.4 (MANE Select); coding-DNA position 1570, A replaced by G.
Protein change: p.Met524Val; replaces methionine 524 with valine.
Molecular consequence: missense variant.
Genome position (GRCh38, 1-based): chr11:26,598,897, A>G. VCF-style: chr11-26598897-A-G. GRCh37 (hg19) VCF-style: chr11-26620444-A-G.
Other names: c.1753A>G, p.Met585Val (NM_001313726.2); c.1132A>G, p.Met378Val (NM_001313727.2); short protein forms M585V, M524V, M378V.
Identifiers: ClinVar variation 3715817 (VCV003715817.2).
Genomic context (GRCh38, chr11:26,598,897, plus strand): 5'-TAACTTTCGTTTCTCTCATAGGAAACACTTCGTCCCCAGTTTGAAGCCAAGTATTACAAG[A>G]TGGAGATTGTAAATCCCATCACGGGAAAACCTGAACCACATCAGCCTTCCTCAGACAAAG-3'
Protein context (NP_113606.2, residues 514-534): RPQFEAKYYK[Met524Val]EIVNPITGKP

ClinVar aggregate classification (germline): Uncertain significance (1 of 4 stars; one submission).

Conditions:
Dystonic disorder. Also called: Dystonia. Identifiers: MedGen C0013421, MONDO:0003441, HP:0001332.

gnomAD v4.1: 2 of 1,614,000 alleles (0.00012%); highest among the groups gnomAD compares: Non-Finnish European, 0.00017%; no homozygotes.

Submission:

Labcorp Genetics (formerly Invitae), Labcorp
Classification: Uncertain significance for Dystonic disorder. Last evaluated: 2024-10-13. Review status: criteria provided, single submitter. Criteria: Invitae Variant Classification Sherloc (09022015). Collection method: clinical testing. Allele origin: germline.
Comment: This sequence change replaces methionine, which is neutral and non-polar, with valine, which is neutral and non-polar, at codon 524 of the ANO3 protein (p.Met524Val). This variant is present in population databases (no rsID available, gnomAD 0.0009%). This variant has not been reported in the literature in individuals affected with ANO3-related conditions. Invitae Evidence Modeling of protein sequence and biophysical properties (such as structural, functional, and spatial information, amino acid conservation, physicochemical variation, residue mobility, and thermodynamic stability) indicates that this missense variant is not expected to disrupt ANO3 protein function with a negative predictive value of 95%. In summary, the available evidence is currently insufficient to determine the role of this variant in disease. Therefore, it has been classified as a Variant of Uncertain Significance.